The following is an entry in ClinVar:

NM_001378615.1(CC2D2A):c.1017+3A>G

Genes: CC2D2A (coiled-coil and C2 domain containing 2A; plus strand), FBXL5 (F-box and leucine rich repeat protein 5; minus strand). Cytogenetic location: 4p15.32.
Variant type: single nucleotide variant.
Coding change: c.1017+3A>G on transcript NM_001378615.1 (MANE Select); 3 bases into the intron after coding-DNA position 1017, A replaced by G.
Molecular consequence: intron variant.
Genome position (GRCh38, 1-based): chr4:15,516,007, A>G. VCF-style: chr4-15516007-A-G. GRCh37 (hg19) VCF-style: chr4-15517630-A-G.
Other names: c.1017+3A>G (NM_001080522.2); c.870+3A>G (NM_001378617.1).
Identifiers: ClinVar variation 1932560 (VCV001932560.2), dbSNP rs1197590217, ClinGen allele CA2580070861.
Genomic context (GRCh38, chr4:15,516,007, plus strand): 5'-AGAGGTGGCACGCACCAATCAGAACATCATGGAGAACAGATTGCTGATGCAGGACCCCGT[A>G]AGTGTGCACCCTCTGCTCTCAGGTGTAGCCTGGGCACACTAGACATAGCTTTTATTTTCC-3'

ClinVar aggregate classification (germline): Uncertain significance (1 of 4 stars; one submission).

Conditions:
Joubert syndrome. Also called: Familial aplasia of the vermis; JOUBERT-BOLTSHAUSER SYNDROME. Identifiers: Orphanet 475, MedGen C5979921, MONDO:0018772.
Meckel-Gruber syndrome. Also called: Dysencephalia splachnocystica; DYSENCEPHALIA SPLANCHNOCYSTICA; GRUBER SYNDROME. Identifiers: Orphanet 564, MedGen C0265215, MONDO:0018921.

Allele frequency attached by ClinVar (database versions not stated): gnomAD exomes below 0.00001.

Submission:

Labcorp Genetics (formerly Invitae), Labcorp
Classification: Uncertain significance for Joubert syndrome; Meckel-Gruber syndrome. Last evaluated: 2022-06-14. Review status: criteria provided, single submitter. Criteria: Invitae Variant Classification Sherloc (09022015). Collection method: clinical testing. Allele origin: germline.
Comment: This sequence change falls in intron 11 of the CC2D2A gene. It does not directly change the encoded amino acid sequence of the CC2D2A protein. It affects a nucleotide within the consensus splice site. This variant is not present in population databases (gnomAD no frequency). This variant has not been reported in the literature in individuals affected with CC2D2A-related conditions. Variants that disrupt the consensus splice site are a relatively common cause of aberrant splicing (PMID: 17576681, 9536098). Algorithms developed to predict the effect of sequence changes on RNA splicing suggest that this variant may disrupt the consensus splice site. In summary, the available evidence is currently insufficient to determine the role of this variant in disease. Therefore, it has been classified as a Variant of Uncertain Significance.

Literature cited by the submitters: PubMed 17576681; PubMed 9536098.